The following is an entry in ClinVar:

ClinVar aggregate classification (germline): risk factor (0 of 4 stars; one submission).

Conditions:
Primary open angle glaucoma (POAG). Also called: OPTN-related open angle glaucoma. Identifiers: MedGen C0339573, MONDO:0100553, OMIM 137760.

Allele frequency attached by ClinVar (database versions not stated): gnomAD exomes 0.00002 and 0.00003; ExAC 0.00003; TOPMed 0.00004; gnomAD 0.00005.

Submission:

Flinders Ophthalmology, Flinders University
Classification: risk factor for Primary open angle glaucoma. Last evaluated: 2016-03-29. Review status: no assertion criteria provided. Collection method: case-control. Allele origin: unknown. Affected: yes. Observed: 1 variant allele.
Comment: GWAS associated gene CARD10

Literature cited by the submitters: PubMed 27896285.

NM_014550.4(CARD10):c.1210C>T (p.Arg404Trp)

Gene: CARD10 (caspase recruitment domain family member 10; minus strand). Cytogenetic location: 22q13.1.
Variant type: single nucleotide variant.
Coding change: c.1210C>T on transcript NM_014550.4 (MANE Select); coding-DNA position 1210, C replaced by T.
Protein change: p.Arg404Trp; replaces arginine 404 with tryptophan.
Molecular consequence: missense variant.
Genome position (GRCh38, 1-based): chr22:37,506,365, G>A on the plus strand (C>T on the coding strand, the complement: CARD10 is on the minus strand). VCF-style: chr22-37506365-G-A. GRCh37 (hg19) VCF-style: chr22-37902372-G-A.
Other names: short protein forms R404W.
Identifiers: ClinVar variation 224915 (VCV000224915.2), dbSNP rs750643216, ClinGen allele CA10219908.
Genomic context (GRCh38, chr22:37,506,365, plus strand): 5'-GCACCTGCTTGCGGTACTGGTCCTTCTCGATGAGGCTCTGTGAGTACTGCAACTGGATCC[G>A]GTCACGGCTCTGGATGGCCTAGGGTTGGGGGAGGGGAGGCAGCAGCTGAAGGAGCCACCT-3'
Protein context (NP_055365.2, residues 394-414): ERDQAIQSRD[Arg404Trp]IQLQYSQSLI